The following is an entry in ClinVar:

NM_005068.3(SIM1):c.547A>G (p.Ile183Val)

Gene: SIM1 (SIM bHLH transcription factor 1; minus strand). Cytogenetic location: 6q16.3.
Variant type: single nucleotide variant.
Coding change: c.547A>G on transcript NM_005068.3 (MANE Select); coding-DNA position 547, A replaced by G.
Protein change: p.Ile183Val; replaces isoleucine 183 with valine.
Molecular consequence: missense variant.
Genome position (GRCh38, 1-based): chr6:100,448,675, T>C on the plus strand (A>G on the coding strand, the complement: SIM1 is on the minus strand). VCF-style: chr6-100448675-T-C. GRCh37 (hg19) VCF-style: chr6-100896551-T-C.
Other names: c.547A>G, p.Ile183Val (NM_001374769.1); short protein forms I183V.
Identifiers: ClinVar variation 4977269 (VCV004977269.1).

ClinVar aggregate classification (germline): Uncertain significance (1 of 4 stars; one submission).

Conditions:
SIM1-related disorder. Also called: SIM1-related condition; SIM1-related disorders.

gnomAD v4.1: 8 of 1,609,934 alleles (0.0005%); highest among the groups gnomAD compares: Admixed American, 0.013%; no homozygotes.

Submission:

PreventionGenetics, part of Exact Sciences
Classification: Uncertain significance for SIM1-related condition. Last evaluated: 2025-04-10. Review status: criteria provided, single submitter. Criteria: ACMG Guidelines, 2015. Collection method: clinical testing. Allele origin: germline.
Comment: The SIM1 c.547A>G variant is predicted to result in the amino acid substitution p.Ile183Val. To our knowledge, this variant has not been reported in the literature. This variant is reported in 0.017% of alleles in individuals of Latino descent in gnomAD. At this time, the clinical significance of this variant is uncertain due to the absence of conclusive functional and genetic evidence.